The following is an entry in ClinVar:

NM_022489.4(INF2):c.2980G>A (p.Gly994Arg)

Gene: INF2 (inverted formin 2; plus strand). Cytogenetic location: 14q32.33.
Variant type: single nucleotide variant.
Coding change: c.2980G>A on transcript NM_022489.4 (MANE Select); coding-DNA position 2980, G replaced by A.
Protein change: p.Gly994Arg; replaces glycine 994 with arginine.
Molecular consequence: missense variant.
Genome position (GRCh38, 1-based): chr14:104,713,546, G>A. VCF-style: chr14-104713546-G-A. GRCh37 (hg19) VCF-style: chr14-105179883-G-A.
Other names: c.2980G>A, p.Gly994Arg (NM_001031714.4); short protein forms G994R.
Identifiers: ClinVar variation 1933003 (VCV001933003.7), dbSNP rs1890153846, ClinGen allele CA391223048.

ClinVar aggregate classification (germline): Uncertain significance. Review status: criteria provided, multiple submitters, no conflicts (2 of 4 stars). 3 submissions from 3 submitters: Uncertain significance (3). Last evaluated 2024-04-15.

Conditions:
Charcot-Marie-Tooth disease dominant intermediate E. Also called: CHARCOT-MARIE-TOOTH NEUROPATHY WITH FOCAL SEGMENTAL GLOMERULONEPHRITIS. Identifiers: Orphanet 93114, MedGen C4302667, MONDO:0013758, OMIM 614455.
Focal segmental glomerulosclerosis 5 (FSGS5). Identifiers: Orphanet 656, MedGen C2750475, MONDO:0013191, OMIM 613237.

Allele frequency attached by ClinVar (database versions not stated): gnomAD exomes below 0.00001; TOPMed below 0.00001; gnomAD 0.00001.
gnomAD v4.1: 9 of 1,611,608 alleles (0.00056%); highest among the groups gnomAD compares: African/African-American, 0.0013%; no homozygotes.

Submissions (3):

Fulgent Genetics
Classification: Uncertain significance for Focal segmental glomerulosclerosis 5; Charcot-Marie-Tooth disease dominant intermediate E. Last evaluated: 2024-04-15. Review status: criteria provided, single submitter. Criteria: ACMG Guidelines, 2015. Collection method: clinical testing. Allele origin: germline.

Labcorp Genetics (formerly Invitae), Labcorp
Classification: Uncertain significance for Charcot-Marie-Tooth disease dominant intermediate E; Focal segmental glomerulosclerosis 5. Last evaluated: 2024-03-24. Review status: criteria provided, single submitter. Criteria: Invitae Variant Classification Sherloc (09022015). Collection method: clinical testing. Allele origin: germline.
Comment: This sequence change replaces glycine, which is neutral and non-polar, with arginine, which is basic and polar, at codon 994 of the INF2 protein (p.Gly994Arg). This variant is not present in population databases (gnomAD no frequency). This variant has not been reported in the literature in individuals affected with INF2-related conditions. ClinVar contains an entry for this variant (Variation ID: 1933003). Advanced modeling of protein sequence and biophysical properties (such as structural, functional, and spatial information, amino acid conservation, physicochemical variation, residue mobility, and thermodynamic stability) performed at Invitae indicates that this missense variant is not expected to disrupt INF2 protein function with a negative predictive value of 95%. In summary, the available evidence is currently insufficient to determine the role of this variant in disease. Therefore, it has been classified as a Variant of Uncertain Significance.

Blueprint Genetics
Classification: Uncertain significance. Last evaluated: 2018-12-20. Review status: criteria provided, single submitter. Criteria: ACMG Guidelines, 2015. Collection method: clinical testing. Allele origin: germline.